The following is an entry in ClinVar:

NM_018136.5(ASPM):c.1688C>A (p.Thr563Lys)

Gene: ASPM (assembly factor for spindle microtubules; minus strand). Cytogenetic location: 1q31.3.
Variant type: single nucleotide variant.
Coding change: c.1688C>A on transcript NM_018136.5 (MANE Select); coding-DNA position 1688, C replaced by A.
Protein change: p.Thr563Lys; replaces threonine 563 with lysine.
Molecular consequence: missense variant.
Genome position (GRCh38, 1-based): chr1:197,142,564, G>T on the plus strand (C>A on the coding strand, the complement: ASPM is on the minus strand). VCF-style: chr1-197142564-G-T. GRCh37 (hg19) VCF-style: chr1-197111694-G-T.
Other names: c.1688C>A (NM_018136.4); c.1688C>A, p.Thr563Lys (NM_001206846.2); short protein forms T563K.
Identifiers: ClinVar variation 1970417 (VCV001970417.5), dbSNP rs762566570, ClinGen allele CA1310670.

ClinVar aggregate classification (germline): Uncertain significance. Review status: criteria provided, multiple submitters, no conflicts (2 of 4 stars). 2 submissions from 2 submitters: Uncertain significance (2). Last evaluated 2025-10-12.

Conditions:
Inborn genetic diseases. Identifiers: MedGen C0950123, MeSH D030342.

Allele frequency attached by ClinVar (database versions not stated): TOPMed below 0.00001; ExAC 0.00001; gnomAD 0.00001; gnomAD exomes 0.00001.

Submissions (2):

Labcorp Genetics (formerly Invitae), Labcorp
Classification: Uncertain significance. Last evaluated: 2025-10-12. Review status: criteria provided, single submitter. Criteria: Invitae Variant Classification Sherloc (09022015). Collection method: clinical testing. Allele origin: germline.
Comment: This sequence change replaces threonine, which is neutral and polar, with lysine, which is basic and polar, at codon 563 of the ASPM protein (p.Thr563Lys). This variant is present in population databases (rs762566570, gnomAD 0.0009%). This variant has not been reported in the literature in individuals affected with ASPM-related conditions. ClinVar contains an entry for this variant (Variation ID: 1970417). Invitae Evidence Modeling of protein sequence and biophysical properties (such as structural, functional, and spatial information, amino acid conservation, physicochemical variation, residue mobility, and thermodynamic stability) indicates that this missense variant is not expected to disrupt ASPM protein function with a negative predictive value of 80%. In summary, the available evidence is currently insufficient to determine the role of this variant in disease. Therefore, it has been classified as a Variant of Uncertain Significance.

Ambry Genetics
Classification: Uncertain significance for Inborn genetic diseases. Last evaluated: 2024-03-01. Review status: criteria provided, single submitter. Criteria: Ambry Variant Classification Scheme 2023. Collection method: clinical testing. Allele origin: germline.